The following is an entry in ClinVar:

ClinVar aggregate classification (germline): Likely benign. Review status: criteria provided, multiple submitters, no conflicts (2 of 4 stars). 2 submissions from 2 submitters: Likely benign (2). Last evaluated 2026-06-18.

Conditions:
MYL2-related disorder. Also called: MYL2-related disorders; MYL2-related condition; MYL2-related disease.
Hypertrophic cardiomyopathy 10. Also called: CARDIOMYOPATHY, HYPERTROPHIC, MID-LEFT VENTRICULAR CHAMBER TYPE, 2; MYL2-Related Familial Hypertrophic Cardiomyopathy. Identifiers: MedGen C1834460, MONDO:0012112, OMIM 608758.

Allele frequency attached by ClinVar (database versions not stated): gnomAD exomes below 0.00001; TOPMed below 0.00001; gnomAD 0.00001.
gnomAD v4.1: 2 of 1,566,730 alleles (0.00013%); highest among the groups gnomAD compares: Non-Finnish European, 0.00018%; no homozygotes.

Submissions (2):

PreventionGenetics, part of Exact Sciences
Classification: Likely benign for MYL2-related condition. Last evaluated: 2026-06-18. Review status: criteria provided, single submitter. Criteria: ACMG Guidelines, 2015. Collection method: clinical testing. Allele origin: germline.
Comment: This variant is classified as likely benign based on ACMG/AMP sequence variant interpretation guidelines (Richards et al. 2015 PMID: 25741868, with internal and published modifications).

Labcorp Genetics (formerly Invitae), Labcorp
Classification: Likely benign for Hypertrophic cardiomyopathy 10. Last evaluated: 2025-12-06. Review status: criteria provided, single submitter. Criteria: Invitae Variant Classification Sherloc (09022015). Collection method: clinical testing. Allele origin: germline.

NM_000432.4(MYL2):c.170-17T>C

Gene: MYL2 (myosin light chain 2; minus strand). Cytogenetic location: 12q24.11.
Variant type: single nucleotide variant.
Coding change: c.170-17T>C on transcript NM_000432.4 (MANE Select); 17 bases into the intron before coding-DNA position 170, T replaced by C.
Molecular consequence: intron variant.
Genome position (GRCh38, 1-based): chr12:110,914,307, A>G on the plus strand (T>C on the coding strand, the complement: MYL2 is on the minus strand). VCF-style: chr12-110914307-A-G. GRCh37 (hg19) VCF-style: chr12-111352111-A-G.
Other names: c.170-17T>C (NM_000432.3).
Identifiers: ClinVar variation 1631450 (VCV001631450.10), dbSNP rs1453191107, ClinGen allele CA683557051.